The following is an entry in ClinVar:

ClinVar aggregate classification (germline): Uncertain significance. Review status: criteria provided, multiple submitters, no conflicts (2 of 4 stars). 2 submissions from 2 submitters: Uncertain significance (2). Last evaluated 2025-10-27.

Conditions:
Neurofibromatosis, type 1 (NF1). Also called: VON RECKLINGHAUSEN DISEASE; Neurofibromatosis, type I; NEUROFIBROMATOSIS, TYPE I, SOMATIC; Peripheral type neurofibromatosis. Identifiers: Orphanet 636, MedGen C0027831, MONDO:0018975, OMIM 162200. Disease mechanism: loss of function.
Cardiovascular phenotype. Identifiers: MedGen CN230736.
Hereditary cancer-predisposing syndrome. Also called: Hereditary Cancer Syndrome; Tumor predisposition; Neoplastic Syndromes, Hereditary; Hereditary neoplastic syndrome. Identifiers: Orphanet 140162, MedGen C0027672, MeSH D009386, MONDO:0015356.

Submissions (2):

Ambry Genetics
Classification: Uncertain significance for Cardiovascular phenotype; Hereditary cancer-predisposing syndrome. Last evaluated: 2025-10-27. Review status: criteria provided, single submitter. Criteria: Ambry Variant Classification Scheme 2023. Collection method: clinical testing. Allele origin: germline.
Comment: The p.A2694V variant (also known as c.8081C>T), located in coding exon 55 of the NF1 gene, results from a C to T substitution at nucleotide position 8081. The alanine at codon 2694 is replaced by valine, an amino acid with similar properties. This amino acid position is highly conserved in available vertebrate species. In addition, the in silico prediction for this alteration is inconclusive. Based on the available evidence, the clinical significance of this variant remains unclear.

Labcorp Genetics (formerly Invitae), Labcorp
Classification: Uncertain significance for Neurofibromatosis, type 1. Last evaluated: 2021-11-11. Review status: criteria provided, single submitter. Criteria: Invitae Variant Classification Sherloc (09022015). Collection method: clinical testing. Allele origin: germline.
Comment: In summary, the available evidence is currently insufficient to determine the role of this variant in disease. Therefore, it has been classified as a Variant of Uncertain Significance. Advanced modeling of protein sequence and biophysical properties (such as structural, functional, and spatial information, amino acid conservation, physicochemical variation, residue mobility, and thermodynamic stability) performed at Invitae indicates that this missense variant is expected to disrupt NF1 protein function. This sequence change replaces alanine, which is neutral and non-polar, with valine, which is neutral and non-polar, at codon 2694 of the NF1 protein (p.Ala2694Val). This variant is not present in population databases (gnomAD no frequency). This missense change has been observed in individual(s) with breast cancer (PMID: 30306255). This variant is also known as c.8144C>T (p.Ala2715Val). ClinVar contains an entry for this variant (Variation ID: 652495).

Literature cited by the submitters: PubMed 30306255 (cited by Labcorp Genetics (formerly Invitae), Labcorp).

NM_001042492.3(NF1):c.8144C>T (p.Ala2715Val)

Gene: NF1 (neurofibromin 1; plus strand). Cytogenetic location: 17q11.2.
Variant type: single nucleotide variant.
Coding change: c.8144C>T on transcript NM_001042492.3 (MANE Select); coding-DNA position 8144, C replaced by T.
Protein change: p.Ala2715Val; replaces alanine 2715 with valine.
Molecular consequence: missense variant.
Genome position (GRCh38, 1-based): chr17:31,358,999, C>T. VCF-style: chr17-31358999-C-T. GRCh37 (hg19) VCF-style: chr17-29686017-C-T.
Other names: c.8081C>T, p.Ala2694Val (NM_000267.4); short protein forms A2715V, A2694V.
Identifiers: ClinVar variation 652495 (VCV000652495.9), dbSNP rs1597868802, ClinGen allele CA399204210.